The following is an entry in ClinVar:

ClinVar aggregate classification (germline): Uncertain significance (1 of 4 stars; one submission).

Allele frequency attached by ClinVar (database versions not stated): TOPMed below 0.00001.

Submission:

Labcorp Genetics (formerly Invitae), Labcorp
Classification: Uncertain significance. Last evaluated: 2023-08-04. Review status: criteria provided, single submitter. Criteria: Invitae Variant Classification Sherloc (09022015). Collection method: clinical testing. Allele origin: germline.
Comment: In summary, the available evidence is currently insufficient to determine the role of this variant in disease. Therefore, it has been classified as a Variant of Uncertain Significance. Advanced modeling of protein sequence and biophysical properties (such as structural, functional, and spatial information, amino acid conservation, physicochemical variation, residue mobility, and thermodynamic stability) performed at Invitae indicates that this missense variant is not expected to disrupt PYCR1 protein function. ClinVar contains an entry for this variant (Variation ID: 1384973). This variant has not been reported in the literature in individuals affected with PYCR1-related conditions. This variant is not present in population databases (gnomAD no frequency). This sequence change replaces lysine, which is basic and polar, with methionine, which is neutral and non-polar, at codon 29 of the PYCR1 protein (p.Lys29Met).

NM_006907.4(PYCR1):c.86A>T (p.Lys29Met)

Gene: PYCR1 (pyrroline-5-carboxylate reductase 1; minus strand). Cytogenetic location: 17q25.3.
Variant type: single nucleotide variant.
Coding change: c.86A>T on transcript NM_006907.4 (MANE Select); coding-DNA position 86, A replaced by T.
Protein change: p.Lys29Met; replaces lysine 29 with methionine.
Molecular consequence: missense variant.
Genome position (GRCh38, 1-based): chr17:81,936,175, T>A on the plus strand (A>T on the coding strand, the complement: PYCR1 is on the minus strand). VCF-style: chr17-81936175-T-A. GRCh37 (hg19) VCF-style: chr17-79894051-T-A.
Other names: c.86A>T, p.Lys29Met (NM_001282279.2, NM_001282280.2, NM_001330523.2 and 1 more transcripts); c.167A>T, p.Lys56Met (NM_001282281.2); short protein forms K29M, K56M.
Identifiers: ClinVar variation 1384973 (VCV001384973.6), dbSNP rs2041183706, ClinGen allele CA401540467.